The following is an entry in ClinVar:

ClinVar aggregate classification (germline): Benign. Review status: criteria provided, single submitter (1 of 4 stars). 2 submissions from 1 submitter: Benign (2). Last evaluated 2018-01-12.

Conditions:
Primary open angle glaucoma (POAG). Also called: OPTN-related open angle glaucoma. Identifiers: MedGen C0339573, MONDO:0100553, OMIM 137760.
Amyotrophic lateral sclerosis type 12 (ALS12). Also called: AMYOTROPHIC LATERAL SCLEROSIS 12 WITH OR WITHOUT FRONTOTEMPORAL DEMENTIA. Identifiers: Orphanet 803, MedGen C3150692, MONDO:0013264, OMIM 613435.

Allele frequency attached by ClinVar (database versions not stated): gnomAD 0.00001 and 0.00050; TOPMed 0.00008; gnomAD exomes 0.00042; 1000 Genomes Project 30x 0.00359; 1000 Genomes Project 0.00379.
gnomAD v4.1: 75 of 154,734 alleles (0.048%); highest among the groups gnomAD compares: South Asian, 1.3%; 1 homozygote.

Submissions (2):

Illumina Laboratory Services, Illumina
Classification: Benign for Primary open angle glaucoma. Last evaluated: 2018-01-12. Review status: criteria provided, single submitter. Criteria: ICSL Variant Classification Criteria 13 December 2019. Collection method: clinical testing. Allele origin: germline.
Comment: This variant was observed in the ICSL laboratory as part of a predisposition screen in an ostensibly healthy population. It had not been previously curated by ICSL or reported in the Human Gene Mutation Database (HGMD: prior to June 1st, 2018), and was therefore a candidate for classification through an automated scoring system. Utilizing variant allele frequency, disease prevalence and penetrance estimates, and inheritance mode, an automated score was calculated to assess if this variant is too frequent to cause the disease. Based on the score and internal cut-off values, a variant classified as benign is not then subjected to further curation. The score for this variant resulted in a classification of benign for this disease.

Illumina Laboratory Services, Illumina
Classification: Benign for Amyotrophic lateral sclerosis type 12. Last evaluated: 2018-01-12. Review status: criteria provided, single submitter. Criteria: ICSL Variant Classification Criteria 13 December 2019. Collection method: clinical testing. Allele origin: germline.
Comment: the same text as in the submission from Illumina Laboratory Services, Illumina above.

NM_001008212.2(OPTN):c.-274C>A

Genes: OPTN (optineurin; plus strand), LOC130003370 (ATAC-STARR-seq lymphoblastoid silent region 2150; plus strand). Cytogenetic location: 10p13.
Variant type: single nucleotide variant.
Coding change: c.-274C>A on transcript NM_001008212.2 (MANE Select); 274 bases upstream of the start codon, C replaced by A.
Molecular consequence: 5 prime UTR variant.
Genome position (GRCh38, 1-based): chr10:13,100,192, C>A. VCF-style: chr10-13100192-C-A. GRCh37 (hg19) VCF-style: chr10-13142192-C-A.
Other names: c.-343C>A (NM_001008211.1); c.-328C>A (NM_001008213.1); c.-122C>A (NM_021980.4).
Identifiers: ClinVar variation 299203 (VCV000299203.5), dbSNP rs552494483, ClinGen allele CA10631197.